The following is an entry in ClinVar:

NM_004360.5(CDH1):c.1615A>G (p.Thr539Ala)

Gene: CDH1 (cadherin 1; plus strand). Cytogenetic location: 16q22.1.
Variant type: single nucleotide variant.
Coding change: c.1615A>G on transcript NM_004360.5 (MANE Select); coding-DNA position 1615, A replaced by G.
Protein change: p.Thr539Ala; replaces threonine 539 with alanine.
Molecular consequence: missense variant. On other transcripts: intron variant (1).
Genome position (GRCh38, 1-based): chr16:68,819,329, A>G. VCF-style: chr16-68819329-A-G. GRCh37 (hg19) VCF-style: chr16-68853232-A-G.
Other names: c.1615A>G (LRG_301t1); c.1432A>G, p.Thr478Ala (NM_001317184.2); c.67A>G, p.Thr23Ala (NM_001317185.2); c.-254-2672A>G (NM_001317186.2); short protein forms T539A, T478A, T23A.
Identifiers: ClinVar variation 219399 (VCV000219399.15), dbSNP rs864622070, ClinGen allele CA350357.

ClinVar aggregate classification (germline): Uncertain significance. Review status: criteria provided, multiple submitters, no conflicts (2 of 4 stars). 3 submissions from 3 submitters: Uncertain significance (3). Last evaluated 2025-12-30.

Conditions:
Hereditary cancer-predisposing syndrome. Also called: Tumor predisposition; Hereditary Cancer Syndrome; Neoplastic Syndromes, Hereditary; Hereditary neoplastic syndrome. Identifiers: Orphanet 140162, MedGen C0027672, MeSH D009386, MONDO:0015356.
Hereditary diffuse gastric adenocarcinoma (HDGC). Also called: DIFFUSE GASTRIC AND LOBULAR BREAST CANCER SYNDROME. Identifiers: Orphanet 26106, MedGen C1708349, MONDO:0007648, OMIM 137215.

Allele frequency attached by ClinVar (database versions not stated): gnomAD exomes below 0.00001.

Submissions (3):

Labcorp Genetics (formerly Invitae), Labcorp
Classification: Uncertain significance for Hereditary diffuse gastric adenocarcinoma. Last evaluated: 2025-12-30. Review status: criteria provided, single submitter. Criteria: Invitae Variant Classification Sherloc (09022015). Collection method: clinical testing. Allele origin: germline.
Comment: This sequence change replaces threonine, which is neutral and polar, with alanine, which is neutral and non-polar, at codon 539 of the CDH1 protein (p.Thr539Ala). This variant is not present in population databases (gnomAD no frequency). This variant has not been reported in the literature in individuals affected with CDH1-related conditions. ClinVar contains an entry for this variant (Variation ID: 219399). An algorithm developed to predict the effect of missense changes on protein structure and function (PolyPhen-2) suggests that this variant is likely to be tolerated. In summary, the available evidence is currently insufficient to determine the role of this variant in disease. Therefore, it has been classified as a Variant of Uncertain Significance.

Ambry Genetics
Classification: Uncertain significance for Hereditary cancer-predisposing syndrome. Last evaluated: 2025-06-20. Review status: criteria provided, single submitter. Criteria: Ambry Variant Classification Scheme 2023. Collection method: clinical testing. Allele origin: germline.
Comment: The p.T539A variant (also known as c.1615A>G), located in coding exon 11 of the CDH1 gene, results from an A to G substitution at nucleotide position 1615. The threonine at codon 539 is replaced by alanine, an amino acid with similar properties. This amino acid position is not well conserved in available vertebrate species. In addition, this alteration is predicted to be tolerated by in silico analysis. Based on the available evidence, the clinical significance of this variant remains unclear.

Institute for Biomarker Research, Medical Diagnostic Laboratories, L.L.C.
Classification: Uncertain significance for Hereditary cancer-predisposing syndrome. Last evaluated: 2025-01-27. Review status: criteria provided, single submitter. Criteria: ACMG Guidelines, 2015. Collection method: clinical testing. Allele origin: germline.
Comment: he missense variant NM_004360.5(CDH1):c.1615A>G (p.Thr539Ala) has not been reported previously as a pathogenic variant nor as a benign variant, to our knowledge. There is a small physicochemical difference between threonine and alanine, which is not likely to impact secondary protein structure as these residues share similar properties. The gene CDH1 has a low rate of benign missense variation as indicated by a high missense variants Z-Score of 1.89. The gene CDH1 contains 18 pathogenic missense variants, indicating that missense variants are a common mechanism of disease in this gene. For these reasons, this variant has been classified as Uncertain Significance.